The following is an entry in ClinVar:

NM_001292063.2(OTOG):c.379C>T (p.Gln127Ter)

Gene: OTOG (otogelin; plus strand). Cytogenetic location: 11p15.1.
Variant type: single nucleotide variant.
Coding change: c.379C>T on transcript NM_001292063.2 (MANE Select); coding-DNA position 379, C replaced by T.
Protein change: p.Gln127Ter; replaces glutamine 127 with a stop codon.
Molecular consequence: nonsense.
Genome position (GRCh38, 1-based): chr11:17,553,205, C>T. VCF-style: chr11-17553205-C-T. GRCh37 (hg19) VCF-style: chr11-17574752-C-T.
Other names: c.415C>T, p.Gln139Ter (NM_001277269.2); short protein forms Q127*, Q139*.
Identifiers: ClinVar variation 930109 (VCV000930109.5), dbSNP rs1851981434, ClinGen allele CA379810975.

ClinVar aggregate classification (germline): Pathogenic/Likely pathogenic. Review status: criteria provided, multiple submitters, no conflicts (2 of 4 stars). 2 submissions from 2 submitters: Pathogenic (1); Likely pathogenic (1). Last evaluated 2023-05-23.

Conditions:
Autosomal recessive nonsyndromic hearing loss 18B. Also called: Deafness, autosomal recessive 18b. Identifiers: Orphanet 90636, MedGen C3554163, MONDO:0013985, OMIM 614945.
Rare genetic deafness. Identifiers: Orphanet 96210, MedGen C5680250.

Allele frequency attached by ClinVar (database versions not stated): gnomAD exomes below 0.00001.

Submissions (2):

Department of Pathology and Laboratory Medicine, Sinai Health System
Classification: Likely pathogenic for Autosomal recessive nonsyndromic hearing loss 18B. Last evaluated: 2023-05-23. Review status: criteria provided, single submitter. Criteria: ACMG Guidelines, 2015. Collection method: research. Allele origin: germline.

Laboratory for Molecular Medicine, Mass General Brigham Personalized Medicine
Classification: Pathogenic for Rare genetic deafness. Last evaluated: 2019-12-23. Review status: criteria provided, single submitter. Criteria: LMM Criteria. Collection method: clinical testing. Allele origin: germline. Inheritance: Autosomal recessive inheritance. Observed: 2 variant alleles.
Comment: The p.Gln139X variant is absent from large population studies. This nonsense variant leads to a premature termination codon at position 139, which is predicted to lead to a truncated or absent protein. Loss of function of the OTOG gene is an established disease mechanism in autosomal recessive hearing loss. In summary, although additional studies are required to fully establish its clinical significance, this variant meets criteria to be classified as pathogenic for autosomal recessive hearing loss. ACMG/AMP Criteria applied: PVS1, PM2, PM3_Supporting.